The following is an entry in ClinVar:

ClinVar aggregate classification (germline): Uncertain significance (1 of 4 stars; one submission).

Conditions:
Neuromuscular disease caused by qualitative or quantitative defects of dysferlin. Also called: Qualitative or quantitative defects of dysferlin; Dysferlinopathy. Identifiers: Orphanet 207073, MedGen C2931687, MONDO:0016145.

Allele frequency attached by ClinVar (database versions not stated): gnomAD exomes below 0.00001; ExAC 0.00001.
gnomAD v4.1: 1 of 1,614,044 alleles (0.000062%); highest among the groups gnomAD compares: Non-Finnish European, 0.000085%; no homozygotes.

Submission:

Labcorp Genetics (formerly Invitae), Labcorp
Classification: Uncertain significance for Neuromuscular disease caused by qualitative or quantitative defects of dysferlin. Last evaluated: 2022-04-01. Review status: criteria provided, single submitter. Criteria: Invitae Variant Classification Sherloc (09022015). Collection method: clinical testing. Allele origin: germline.
Comment: This sequence change replaces tyrosine, which is neutral and polar, with cysteine, which is neutral and slightly polar, at codon 23 of the DYSF protein (p.Tyr23Cys). This variant is present in population databases (rs751600627, gnomAD 0.0009%). This variant has not been reported in the literature in individuals affected with DYSF-related conditions. Advanced modeling of protein sequence and biophysical properties (such as structural, functional, and spatial information, amino acid conservation, physicochemical variation, residue mobility, and thermodynamic stability) performed at Invitae indicates that this missense variant is not expected to disrupt DYSF protein function. In summary, the available evidence is currently insufficient to determine the role of this variant in disease. Therefore, it has been classified as a Variant of Uncertain Significance.

NM_003494.4(DYSF):c.68A>G (p.Tyr23Cys)

Gene: DYSF (dysferlin; plus strand). Cytogenetic location: 2p13.2.
Variant type: single nucleotide variant.
Coding change: c.68A>G on transcript NM_003494.4 (MANE Plus Clinical); coding-DNA position 68, A replaced by G.
Protein change: p.Tyr23Cys; replaces tyrosine 23 with cysteine.
Molecular consequence: missense variant.
Genome position (GRCh38, 1-based): chr2:71,454,066, A>G. VCF-style: chr2-71454066-A-G. GRCh37 (hg19) VCF-style: chr2-71681196-A-G.
Other names: c.68A>G, p.Tyr23Cys (NM_001130976.2, NM_001130977.2, NM_001130978.2 and 3 more transcripts); short protein forms Y23C.
Identifiers: ClinVar variation 2120721 (VCV002120721.4), dbSNP rs751600627, ClinGen allele CA1705177.